The following is an entry in ClinVar:

ClinVar aggregate classification (germline): Uncertain significance. Review status: criteria provided, multiple submitters, no conflicts (2 of 4 stars). 2 submissions from 2 submitters: Uncertain significance (2). Last evaluated 2026-08-28.

Conditions:
Oligodontia-cancer predisposition syndrome. Also called: TOOTH AGENESIS-COLORECTAL CANCER SYNDROME. Identifiers: Orphanet 300576, MedGen C1837750, MONDO:0012075, OMIM 608615. Disease mechanism: loss of function.
Hereditary cancer-predisposing syndrome. Also called: Hereditary Cancer Syndrome; Tumor predisposition; Neoplastic Syndromes, Hereditary; Hereditary neoplastic syndrome. Identifiers: Orphanet 140162, MedGen C0027672, MeSH D009386, MONDO:0015356.

gnomAD v4.1: 1 of 1,613,578 alleles (0.000062%); no homozygotes.

Submissions (2):

Ambry Genetics
Classification: Uncertain significance for Hereditary cancer-predisposing syndrome. Last evaluated: 2026-08-28. Review status: criteria provided, single submitter. Criteria: Ambry Variant Classification Scheme 2023. Collection method: clinical testing. Allele origin: germline.
Comment: The p.G502R variant (also known as c.1504G>C), located in coding exon 5 of the AXIN2 gene, results from a G to C substitution at nucleotide position 1504. The glycine at codon 502 is replaced by arginine, an amino acid with dissimilar properties. This amino acid position is conserved. In addition, this alteration is predicted to be tolerated by in silico analysis. Based on the available evidence, the clinical significance of this variant remains unclear.

Labcorp Genetics (formerly Invitae), Labcorp
Classification: Uncertain significance for Oligodontia-cancer predisposition syndrome. Last evaluated: 2024-02-22. Review status: criteria provided, single submitter. Criteria: Invitae Variant Classification Sherloc (09022015). Collection method: clinical testing. Allele origin: germline.
Comment: This sequence change replaces glycine, which is neutral and non-polar, with arginine, which is basic and polar, at codon 502 of the AXIN2 protein (p.Gly502Arg). This variant is not present in population databases (gnomAD no frequency). This variant has not been reported in the literature in individuals affected with AXIN2-related conditions. ClinVar contains an entry for this variant (Variation ID: 1518619). Advanced modeling of protein sequence and biophysical properties (such as structural, functional, and spatial information, amino acid conservation, physicochemical variation, residue mobility, and thermodynamic stability) performed at Invitae indicates that this missense variant is not expected to disrupt AXIN2 protein function with a negative predictive value of 80%. In summary, the available evidence is currently insufficient to determine the role of this variant in disease. Therefore, it has been classified as a Variant of Uncertain Significance.

NM_004655.4(AXIN2):c.1504G>C (p.Gly502Arg)

Gene: AXIN2 (axin 2; minus strand). Cytogenetic location: 17q24.1.
Variant type: single nucleotide variant.
Coding change: c.1504G>C on transcript NM_004655.4 (MANE Select); coding-DNA position 1504, G replaced by C.
Protein change: p.Gly502Arg; replaces glycine 502 with arginine.
Molecular consequence: missense variant.
Genome position (GRCh38, 1-based): chr17:65,537,532, C>G on the plus strand (G>C on the coding strand, the complement: AXIN2 is on the minus strand). VCF-style: chr17-65537532-C-G. GRCh37 (hg19) VCF-style: chr17-63533650-C-G.
Other names: c.1504G>C, p.Gly502Arg (NM_001363813.1); c.1504G>C (NM_004655.3); short protein forms G502R.
Identifiers: ClinVar variation 1518619 (VCV001518619.9), dbSNP rs978541876, ClinGen allele CA400677380.